The following is an entry in ClinVar:

ClinVar aggregate classification (germline): Conflicting classifications of pathogenicity. Review status: criteria provided, conflicting classifications (1 of 4 stars). 3 submissions from 3 submitters: Uncertain significance (1); Likely benign (1). 1 of the submissions does not count toward it. Last evaluated 2025-10-19.

Conditions:
Hereditary cancer-predisposing syndrome. Also called: Tumor predisposition; Neoplastic Syndromes, Hereditary; Hereditary neoplastic syndrome; Hereditary Cancer Syndrome. Identifiers: Orphanet 140162, MedGen C0027672, MeSH D009386, MONDO:0015356.
Bloom syndrome (BLM). Also called: Bloom-Torre-Machacek syndrome. Identifiers: Orphanet 125, MedGen C0005859, MONDO:0008876, OMIM 210900.

Allele frequency attached by ClinVar (database versions not stated): TOPMed 0.00002; gnomAD 0.00003 and 0.00004.
gnomAD v4.1: 9 of 1,614,042 alleles (0.00056%); highest among the groups gnomAD compares: African/African-American, 0.0093%; no homozygotes.

Submissions (3):

Labcorp Genetics (formerly Invitae), Labcorp
Classification: Uncertain significance for Bloom syndrome. Last evaluated: 2025-10-19. Review status: criteria provided, single submitter. Criteria: Invitae Variant Classification Sherloc (09022015). Collection method: clinical testing. Allele origin: germline.
Comment: This sequence change replaces serine, which is neutral and polar, with threonine, which is neutral and polar, at codon 1368 of the BLM protein (p.Ser1368Thr). This variant is present in population databases (rs587778104, gnomAD 0.01%). This variant has not been reported in the literature in individuals affected with BLM-related conditions. ClinVar contains an entry for this variant (Variation ID: 1017651). Invitae Evidence Modeling of protein sequence and biophysical properties (such as structural, functional, and spatial information, amino acid conservation, physicochemical variation, residue mobility, and thermodynamic stability) indicates that this missense variant is not expected to disrupt BLM protein function with a negative predictive value of 80%. In summary, the available evidence is currently insufficient to determine the role of this variant in disease. Therefore, it has been classified as a Variant of Uncertain Significance.

Ambry Genetics
Classification: Likely benign for Hereditary cancer-predisposing syndrome. Last evaluated: 2024-02-29. Review status: criteria provided, single submitter. Criteria: Ambry Variant Classification Scheme 2023. Collection method: clinical testing. Allele origin: germline.

Natera, Inc.
Classification: Uncertain significance for Bloom syndrome. Last evaluated: 2018-08-28. Review status: no assertion criteria provided. Collection method: clinical testing. Allele origin: germline. Not counted in ClinVar's aggregate classification.

NM_000057.4(BLM):c.4102T>A (p.Ser1368Thr)

Gene: BLM (BLM RecQ like helicase; plus strand). Cytogenetic location: 15q26.1.
Variant type: single nucleotide variant.
Coding change: c.4102T>A on transcript NM_000057.4 (MANE Select); coding-DNA position 4102, T replaced by A.
Protein change: p.Ser1368Thr; replaces serine 1368 with threonine.
Molecular consequence: missense variant.
Genome position (GRCh38, 1-based): chr15:90,815,127, T>A. VCF-style: chr15-90815127-T-A. GRCh37 (hg19) VCF-style: chr15-91358357-T-A.
Other names: c.4102T>A, p.Ser1368Thr (NM_001287246.2); c.3709T>A, p.Ser1237Thr (NM_001287247.2); c.2977T>A, p.Ser993Thr (NM_001287248.2); c.4102T>A (NM_000057.2); short protein forms S1237T, S1368T, S993T.
Identifiers: ClinVar variation 1017651 (VCV001017651.14), dbSNP rs587778104, ClinGen allele CA7739199.